The following is an entry in ClinVar:

NM_024101.7(MLPH):c.810C>T (p.His270=)

Gene: MLPH (melanophilin; plus strand). Cytogenetic location: 2q37.3.
Variant type: single nucleotide variant.
Coding change: c.810C>T on transcript NM_024101.7 (MANE Select); coding-DNA position 810, C replaced by T.
Protein change: p.His270=; no amino-acid change (histidine 270 retained).
Molecular consequence: synonymous variant. On other transcripts: non-coding transcript variant (1), intron variant (1).
Genome position (GRCh38, 1-based): chr2:237,525,735, C>T. VCF-style: chr2-237525735-C-T. GRCh37 (hg19) VCF-style: chr2-238434378-C-T.
Other names: c.810C>T, p.His270= (NM_001042467.3); c.690C>T, p.His230= (NM_001281473.2); c.675+5706C>T (NM_001281474.2).
Identifiers: ClinVar variation 749293 (VCV000749293.28), dbSNP rs747826191, ClinGen allele CA2190340.

ClinVar aggregate classification (germline): Likely benign. Review status: criteria provided, multiple submitters, no conflicts (2 of 4 stars). 2 submissions from 2 submitters: Likely benign (2). Last evaluated 2025-08-21.

Allele frequency attached by ClinVar (database versions not stated): gnomAD 0.00001 and 0.00005; TOPMed 0.00004; gnomAD exomes 0.00012; ExAC 0.00014.
gnomAD v4.1: 105 of 1,614,066 alleles (0.0065%); highest among the groups gnomAD compares: South Asian, 0.041%; 1 homozygote.

Submissions (2):

Labcorp Genetics (formerly Invitae), Labcorp
Classification: Likely benign. Last evaluated: 2025-08-21. Review status: criteria provided, single submitter. Criteria: Invitae Variant Classification Sherloc (09022015). Collection method: clinical testing. Allele origin: germline.

CeGaT Center for Human Genetics Tuebingen
Classification: Likely benign. Last evaluated: 2023-07-01. Review status: criteria provided, single submitter. Criteria: CeGaT Center For Human Genetics Tuebingen Variant Classification Criteria Version 2. Collection method: clinical testing. Allele origin: germline. Affected: yes. Observed: 1 variant allele.
Comment: MLPH: BP4, BP7